The following is an entry in ClinVar:

NM_000138.5(FBN1):c.3093G>T (p.Glu1031Asp)

Gene: FBN1 (fibrillin 1; minus strand). Cytogenetic location: 15q21.1.
Variant type: single nucleotide variant.
Coding change: c.3093G>T on transcript NM_000138.5 (MANE Select); coding-DNA position 3093, G replaced by T.
Protein change: p.Glu1031Asp; replaces glutamic acid 1031 with aspartic acid.
Molecular consequence: missense variant.
Genome position (GRCh38, 1-based): chr15:48,488,483, C>A on the plus strand (G>T on the coding strand, the complement: FBN1 is on the minus strand). VCF-style: chr15-48488483-C-A. GRCh37 (hg19) VCF-style: chr15-48780680-C-A.
Other names: c.3093G>T, p.Glu1031Asp (NM_001406716.1); short protein forms E1031D.
Identifiers: ClinVar variation 3759293 (VCV003759293.2).

ClinVar aggregate classification (germline): Uncertain significance (1 of 4 stars; one submission).

Conditions:
Marfan syndrome (MFS). Also called: MARFAN SYNDROME, TYPE I; Marfan syndrome type 1; Marfan's syndrome; Marfan syndrome, classic; FBN1-Related Marfan Syndrome. Identifiers: Orphanet 284963, Orphanet 558, MedGen C0024796, MONDO:0007947, OMIM 154700.
Familial thoracic aortic aneurysm and aortic dissection (TAAD). Also called: Thoracic aortic aneurysms and dissections. Identifiers: Orphanet 91387, MedGen C4707243, MONDO:0019625.

Submission:

Labcorp Genetics (formerly Invitae), Labcorp
Classification: Uncertain significance for Marfan syndrome; Familial thoracic aortic aneurysm and aortic dissection. Last evaluated: 2024-10-10. Review status: criteria provided, single submitter. Criteria: Invitae Variant Classification Sherloc (09022015). Collection method: clinical testing. Allele origin: germline.
Comment: This sequence change replaces glutamic acid, which is acidic and polar, with aspartic acid, which is acidic and polar, at codon 1031 of the FBN1 protein (p.Glu1031Asp). This variant is not present in population databases (gnomAD no frequency). This missense change has been observed in individual(s) with FBN1-related conditions (PMID: 19839986). Invitae Evidence Modeling of protein sequence and biophysical properties (such as structural, functional, and spatial information, amino acid conservation, physicochemical variation, residue mobility, and thermodynamic stability) indicates that this missense variant is expected to disrupt FBN1 protein function with a positive predictive value of 95%. In summary, the available evidence is currently insufficient to determine the role of this variant in disease. Therefore, it has been classified as a Variant of Uncertain Significance.

Literature cited by the submitters: PubMed 19839986.